The following is an entry in ClinVar:

ClinVar aggregate classification (germline): Uncertain significance (1 of 4 stars; one submission).

Submission:

Labcorp Genetics (formerly Invitae), Labcorp
Classification: Uncertain significance. Last evaluated: 2022-11-01. Review status: criteria provided, single submitter. Criteria: Invitae Variant Classification Sherloc (09022015). Collection method: clinical testing. Allele origin: germline.
Comment: This sequence change replaces arginine, which is basic and polar, with tryptophan, which is neutral and slightly polar, at codon 457 of the TONSL protein (p.Arg457Trp). Information on the frequency of this variant in the gnomAD database is not available, as this variant may be reported differently in the database. This variant has not been reported in the literature in individuals affected with TONSL-related conditions. ClinVar contains an entry for this variant (Variation ID: 1498541). Experimental studies and prediction algorithms are not available or were not evaluated, and the functional significance of this variant is currently unknown. In summary, the available evidence is currently insufficient to determine the role of this variant in disease. Therefore, it has been classified as a Variant of Uncertain Significance.

NM_013432.5(TONSL):c.1368_1369inv (p.Arg457Trp)

Gene: TONSL (tonsoku like, DNA repair protein; minus strand). Cytogenetic location: 8q24.3.
Variant type: Inversion.
Coding change: c.1368_1369inv on transcript NM_013432.5 (MANE Select).
Protein change: p.Arg457Trp; replaces arginine 457 with tryptophan.
Molecular consequence: missense variant.
Genome position: GRCh38 VCF-style: chr8-144440132-GT-AC. GRCh37 (hg19) VCF-style: chr8-145665515-GT-AC.
Other names: short protein forms R457W.
Identifiers: ClinVar variation 1498541 (VCV001498541.5), ClinGen allele CA2573143031.